The following is an entry in ClinVar:

ClinVar aggregate classification (germline): Pathogenic (1 of 4 stars; one submission).

Conditions:
Peroxisome biogenesis disorder. Identifiers: Orphanet 79189, MedGen C1832200, MONDO:0019234. Disease mechanism: loss of function.

Submission:

Myriad Genetics, Inc.
Classification: Pathogenic for Peroxisome biogenesis disorder. Last evaluated: 2023-09-22. Review status: criteria provided, single submitter. Criteria: Myriad Autosomal Dominant, Autosomal Recessive and X-Linked Classification Criteria (2023). Collection method: clinical testing. Allele origin: unknown.
Comment: NM_000287.3(PEX6):c.1918_1919ins19(T640Rfs*4) is expected to be pathogenic in the context of peroxisome biogenesis disorder type 4. This variant is predicted to lead to an abnormal or absent protein product due to the creation of a premature termination codon in PEX6, a gene where loss-of-function variants are known to be pathogenic. Please note: this variant was assessed in the context of healthy population screening.

NM_000287.4(PEX6):c.1918_1919insGATGTGTATAAGAGACAGT (p.Thr640delinsArgCysValTer)

Gene: PEX6 (peroxisomal biogenesis factor 6; minus strand). Cytogenetic location: 6p21.1.
Variant type: Insertion.
Coding change: c.1918_1919insGATGTGTATAAGAGACAGT on transcript NM_000287.4 (MANE Select); coding-DNA positions 1918 to 1919, GATGTGTATAAGAGACAGT inserted.
Protein change: p.Thr640delinsArgCysValTer.
Molecular consequence: nonsense. On other transcripts: non-coding transcript variant (1).
Genome position: GRCh38 VCF-style: chr6-42966824-G-GACTGTCTCTTATACACATC. GRCh37 (hg19) VCF-style: chr6-42934562-G-GACTGTCTCTTATACACATC.
Other names: c.1654_1655insGATGTGTATAAGAGACAGT, p.Thr552delinsArgCysValTer (NM_001316313.2).
Identifiers: ClinVar variation 5011720 (VCV005011720.1).